The following is an entry in ClinVar:

NM_005560.6(LAMA5):c.3016C>A (p.Leu1006Ile)

Gene: LAMA5 (laminin subunit alpha 5; minus strand). Cytogenetic location: 20q13.33.
Variant type: single nucleotide variant.
Coding change: c.3016C>A on transcript NM_005560.6 (MANE Select); coding-DNA position 3016, C replaced by A.
Protein change: p.Leu1006Ile; replaces leucine 1006 with isoleucine.
Molecular consequence: missense variant.
Genome position (GRCh38, 1-based): chr20:62,333,569, G>T on the plus strand (C>A on the coding strand, the complement: LAMA5 is on the minus strand). VCF-style: chr20-62333569-G-T. GRCh37 (hg19) VCF-style: chr20-60908625-G-T.
Other names: short protein forms L1006I.
Identifiers: ClinVar variation 1997272 (VCV001997272.4), dbSNP rs1447615208, ClinGen allele CA409568890.
Genomic context (GRCh38, chr20:62,333,569, plus strand): 5'-GGTGGGCCCCACCCCCTGACCCGGCCCCCAGCCCTCACTCTGGCCCCTGCCTCACCAGGA[G>T]CACCCCTTCGGCCTCCACACGCAGGGCCCAGGTGCCAGGGTTCAGCACAAAGGGCTCTCC-3'
Protein context (NP_005551.3, residues 996-1016): WALRVEAEGV[Leu1006Ile]LDYVVLLPSA

ClinVar aggregate classification (germline): Uncertain significance (1 of 4 stars; one submission).

Allele frequency attached by ClinVar (database versions not stated): gnomAD exomes below 0.00001; TOPMed below 0.00001.

Submission:

Labcorp Genetics (formerly Invitae), Labcorp
Classification: Uncertain significance. Last evaluated: 2022-06-01. Review status: criteria provided, single submitter. Criteria: Invitae Variant Classification Sherloc (09022015). Collection method: clinical testing. Allele origin: germline.
Comment: The frequency data for this variant in the population databases is considered unreliable, as metrics indicate poor data quality at this position in the gnomAD database. This sequence change replaces leucine, which is neutral and non-polar, with isoleucine, which is neutral and non-polar, at codon 1006 of the LAMA5 protein (p.Leu1006Ile). Algorithms developed to predict the effect of missense changes on protein structure and function are either unavailable or do not agree on the potential impact of this missense change (SIFT: "Tolerated"; PolyPhen-2: "Probably Damaging"; Align-GVGD: "Class C0"). This variant has not been reported in the literature in individuals affected with LAMA5-related conditions. In summary, the available evidence is currently insufficient to determine the role of this variant in disease. Therefore, it has been classified as a Variant of Uncertain Significance.